The following is an entry in ClinVar:

NM_024675.4(PALB2):c.2734T>G (p.Trp912Gly)

Gene: PALB2 (partner and localizer of BRCA2; minus strand). Cytogenetic location: 16p12.2.
Variant type: single nucleotide variant.
Coding change: c.2734T>G on transcript NM_024675.4 (MANE Select); coding-DNA position 2734, T replaced by G.
Protein change: p.Trp912Gly; replaces tryptophan 912 with glycine.
Molecular consequence: missense variant. On other transcripts: intron variant (3).
Genome position (GRCh38, 1-based): chr16:23,626,250, A>C on the plus strand (T>G on the coding strand, the complement: PALB2 is on the minus strand). VCF-style: chr16-23626250-A-C. GRCh37 (hg19) VCF-style: chr16-23637571-A-C.
Other names: NM_024675.4:c.2734T>G; c.2674T>G, p.Trp892Gly (NM_001407296.1); c.2662T>G, p.Trp888Gly (NM_001407297.1); c.2734T>G, p.Trp912Gly (NM_001407299.1, NM_001407300.1, NM_001407301.1); c.1849T>G, p.Trp617Gly (NM_001407304.1, NM_001407305.1, NM_001407306.1 and 4 more transcripts); c.946T>G, p.Trp316Gly (NM_001407312.1, NM_001407313.1); c.268T>G, p.Trp90Gly (NM_001407314.1); c.2587-2156T>G (NM_001407302.1, NM_001407298.1); and 1 more; short protein forms W316G, W617G, W888G, W892G, W90G, W912G.
Identifiers: ClinVar variation 2498117 (VCV002498117.9), dbSNP rs1597084930, ClinGen allele CA395121845.

ClinVar aggregate classification (germline): Uncertain significance. Review status: reviewed by expert panel (3 of 4 stars). 4 submissions from 4 submitters: Uncertain significance (1). 3 of the submissions do not count toward it. Last evaluated 2023-04-05.

Conditions:
PALB2-related cancer predisposition. Identifiers: MedGen CN377761, MONDO:0700272.
Familial cancer of breast. Also called: BREAST CANCER, FAMILIAL; Hereditary breast cancer; hereditary breast carcinoma. Identifiers: Orphanet 227535, MedGen C0346153, MONDO:0016419, OMIM 114480. Disease mechanism: loss of function.

Submissions (4):

ClinGen Hereditary Breast, Ovarian and Pancreatic Cancer Variant Curation Expert Panel, ClinGen
Classification: Uncertain significance for PALB2-related cancer predisposition. Last evaluated: 2023-04-05. Review status: reviewed by expert panel. Criteria: ClinGen HBOP VCEP ACMG Specifications PALB2 V1.0.0. Collection method: curation. Allele origin: germline. Inheritance: Autosomal dominant inheritance.
Comment: The c.2734T>G variant in PALB2 is a missense variant predicted to cause a substitution of tryptophan by glycine at amino acid 912 (p.Trp912Gly). This variant is absent in the gnomAD v2.1.1 cohort. This variant showed an abnormal read out in multiple protein assays (PMID 31757951); however due to a lack of positive missense controls with known clinical impact, these protein assays do not meet the requirements for use by the HBOP VCEP. PALB2, in which the variant was identified, is defined by the HBOP VCEP as a gene for which primarily truncating variants are known to cause disease. In summary, this variant meets the criteria to be classified as VUS for autosomal dominant hereditary breast and pancreatic cancer and autosomal recessive FANCN based on the ACMG/AMP criteria applied, as specified by the HBOP VCEP. (PM2_supporting, BP1)

Department of Clinical Genetics, Copenhagen University Hospital, Rigshospitalet
Classification: Uncertain significance for PALB2-related cancer predisposition. Last evaluated: 2026-02-04. Review status: criteria provided, single submitter. Criteria: ACMG Guidelines, 2015. Collection method: clinical testing. Allele origin: germline. Not counted in ClinVar's aggregate classification.
Comment: The following ACMG criteria has been used: PM2_SUP (not reported in gnomAD v.4.1); BP1 (missense variant in a gene for which primarily truncating variants are known to cause disease). Functional studies have shown that this missense change affects PALB2 function (PMID: 31757951; PMID:41554690)

Center for Genomic Medicine, Rigshospitalet, Copenhagen University Hospital
Classification: Uncertain significance. Last evaluated: 2025-12-29. Review status: criteria provided, single submitter. Criteria: ACMG Guidelines, 2015. Collection method: clinical testing. Allele origin: germline. Not counted in ClinVar's aggregate classification.
Comment: Classification criteria: PM2_supporting, BP1

Labcorp Genetics (formerly Invitae), Labcorp
Classification: Uncertain significance for Familial cancer of breast. Last evaluated: 2023-11-21. Review status: criteria provided, single submitter. Criteria: Invitae Variant Classification Sherloc (09022015). Collection method: clinical testing. Allele origin: germline. Not counted in ClinVar's aggregate classification.
Comment: This sequence change replaces tryptophan, which is neutral and slightly polar, with glycine, which is neutral and non-polar, at codon 912 of the PALB2 protein (p.Trp912Gly). This variant is not present in population databases (gnomAD no frequency). This variant has not been reported in the literature in individuals affected with PALB2-related conditions. ClinVar contains an entry for this variant (Variation ID: 2498117). Advanced modeling of protein sequence and biophysical properties (such as structural, functional, and spatial information, amino acid conservation, physicochemical variation, residue mobility, and thermodynamic stability) performed at Invitae indicates that this missense variant is expected to disrupt PALB2 protein function with a positive predictive value of 80%. Experimental studies have shown that this missense change affects PALB2 function (PMID: 31757951). In summary, the available evidence is currently insufficient to determine the role of this variant in disease. Therefore, it has been classified as a Variant of Uncertain Significance.

Literature cited by the submitters: PubMed 31757951 (cited by 3 submitters); PubMed 41554690 (cited by Department of Clinical Genetics, Copenhagen University Hospital, Rigshospitalet).